The following is an entry in ClinVar:

ClinVar aggregate classification (germline): Pathogenic (1 of 4 stars; one submission).

Conditions:
Glycine encephalopathy. Also called: Nonketotic hyperglycinemia; Non-ketotic hyperglycinemia. Identifiers: Orphanet 407, MedGen C0751748, MONDO:0011612, HP:0008288.

Submission:

Labcorp Genetics (formerly Invitae), Labcorp
Classification: Pathogenic for Glycine encephalopathy. Last evaluated: 2024-10-23. Review status: criteria provided, single submitter. Criteria: Invitae Variant Classification Sherloc (09022015). Collection method: clinical testing. Allele origin: germline.
Comment: This sequence change replaces tryptophan, which is neutral and slightly polar, with cysteine, which is neutral and slightly polar, at codon 960 of the GLDC protein (p.Trp960Cys). This variant is not present in population databases (gnomAD no frequency). This missense change has been observed in individual(s) with nonketotic hyperglycinemia (PMID: 27362913). In at least one individual the data is consistent with being in trans (on the opposite chromosome) from a pathogenic variant. Invitae Evidence Modeling of protein sequence and biophysical properties (such as structural, functional, and spatial information, amino acid conservation, physicochemical variation, residue mobility, and thermodynamic stability) indicates that this missense variant is expected to disrupt GLDC protein function with a positive predictive value of 95%. For these reasons, this variant has been classified as Pathogenic.

Literature cited by the submitters: PubMed 27362913.

NM_000170.3(GLDC):c.2880G>T (p.Trp960Cys)

Gene: GLDC (glycine decarboxylase; minus strand). Cytogenetic location: 9p24.1.
Variant type: single nucleotide variant.
Coding change: c.2880G>T on transcript NM_000170.3 (MANE Select); coding-DNA position 2880, G replaced by T.
Protein change: p.Trp960Cys; replaces tryptophan 960 with cysteine.
Molecular consequence: missense variant.
Genome position (GRCh38, 1-based): chr9:6,534,747, C>A on the plus strand (G>T on the coding strand, the complement: GLDC is on the minus strand). VCF-style: chr9-6534747-C-A. GRCh37 (hg19) VCF-style: chr9-6534747-C-A.
Other names: short protein forms W960C.
Identifiers: ClinVar variation 3653191 (VCV003653191.2).